The following is an entry in ClinVar:

ClinVar aggregate classification (germline): Likely benign (1 of 4 stars; one submission).

gnomAD v4.1: 1 of 1,536,980 alleles (0.000065%); highest among the groups gnomAD compares: Admixed American, 0.0017%; no homozygotes.

Submission:

Mayo Clinic Laboratories, Mayo Clinic
Classification: Likely benign. Last evaluated: 2025-07-24. Review status: criteria provided, single submitter. Criteria: ACMG Guidelines, 2015. Collection method: clinical testing. Allele origin: germline. Observed: 1 variant allele.
Comment: BP4, BP7, PM2_supporting

NM_007373.4(SHOC2):c.1423-6T>C

Gene: SHOC2 (SHOC2 leucine rich repeat scaffold protein; plus strand). Cytogenetic location: 10q25.2.
Variant type: single nucleotide variant.
Coding change: c.1423-6T>C on transcript NM_007373.4 (MANE Select); 6 bases into the intron before coding-DNA position 1423, T replaced by C.
Molecular consequence: intron variant.
Genome position (GRCh38, 1-based): chr10:111,009,707, T>C. VCF-style: chr10-111009707-T-C. GRCh37 (hg19) VCF-style: chr10-112769465-T-C.
Other names: p.?; c.1423-6T>C (NM_001324336.2, NM_001441185.1, NM_001441184.1 and 1 more transcripts); c.1285-6T>C (NM_001441186.1, NM_001269039.3); c.754-6T>C (NM_001441188.1); c.1422+322T>C (NM_001441187.1); c.340-6T>C (NM_001441190.1, NM_001441191.1, NM_001441189.1).
Identifiers: ClinVar variation 4683557 (VCV004683557.1).
Genomic context (GRCh38, chr10:111,009,707, plus strand): 5'-ATTTTCAGTTTACATTAAATGTAGGAAATATATTTGTAACTCTCTTTTATTTTGTAAATC[T>C]TTTAGAAATTAGTCTTGACAAACAACCAGTTGACCACTCTTCCCAGAGGCATTGGTCACC-3'